The following is an entry in ClinVar:

NM_199420.4(POLQ):c.2253G>C (p.Leu751Phe)

Gene: POLQ (DNA polymerase theta; minus strand). Cytogenetic location: 3q13.33.
Variant type: single nucleotide variant.
Coding change: c.2253G>C on transcript NM_199420.4 (MANE Select); coding-DNA position 2253, G replaced by C.
Protein change: p.Leu751Phe; replaces leucine 751 with phenylalanine.
Molecular consequence: missense variant.
Genome position (GRCh38, 1-based): chr3:121,496,833, C>G on the plus strand (G>C on the coding strand, the complement: POLQ is on the minus strand). VCF-style: chr3-121496833-C-G. GRCh37 (hg19) VCF-style: chr3-121215680-C-G.
Other names: short protein forms L751F.
Identifiers: ClinVar variation 2563785 (VCV002563785.2), dbSNP rs2546793640, ClinGen allele CA354108873.
Genomic context (GRCh38, chr3:121,496,833, plus strand): 5'-TATTAAATAAATGTGAAACCCTTTGTTTAACTGACCTGCATAAACAGCAGCTGACTGTTG[C>G]AAAGATTGAATCTGCCCACGATTGCATCCATATTTCTGATTTATTTCCCTTAAGGGAACT-3'
Protein context (NP_955452.3, residues 741-761): YGCNRGQIQS[Leu751Phe]QQSAAVYAGM

ClinVar aggregate classification (germline): Uncertain significance (1 of 4 stars; one submission).

Submission:

Ambry Genetics
Classification: Uncertain significance. Last evaluated: 2023-04-05. Review status: criteria provided, single submitter. Criteria: Ambry Variant Classification Scheme 2023. Collection method: clinical testing. Allele origin: germline.
Comment: The p.L751F variant (also known as c.2253G>C), located in coding exon 14 of the POLQ gene, results from a G to C substitution at nucleotide position 2253. The leucine at codon 751 is replaced by phenylalanine, an amino acid with highly similar properties. This amino acid position is conserved. In addition, the in silico prediction for this alteration is inconclusive. Since supporting evidence is limited at this time, the clinical significance of this alteration remains unclear.